The following is an entry in ClinVar:

ClinVar aggregate classification (germline): Pathogenic (1 of 4 stars; one submission).

gnomAD v4.1: 1 of 1,613,164 alleles (0.000062%); no homozygotes.

Submission:

Labcorp Genetics (formerly Invitae), Labcorp
Classification: Pathogenic. Last evaluated: 2023-09-29. Review status: criteria provided, single submitter. Criteria: Invitae Variant Classification Sherloc (09022015). Collection method: clinical testing. Allele origin: germline.
Comment: This sequence change creates a premature translational stop signal (p.Cys946*) in the SLC12A3 gene. It is expected to result in an absent or disrupted protein product. Loss-of-function variants in SLC12A3 are known to be pathogenic (PMID: 20848653, 22009145, 25841442). For these reasons, this variant has been classified as Pathogenic. This variant has not been reported in the literature in individuals affected with SLC12A3-related conditions. This variant is not present in population databases (gnomAD no frequency).

Literature cited by the submitters: PubMed 20848653; PubMed 22009145; PubMed 25841442.

NM_001126108.2(SLC12A3):c.2811C>A (p.Cys937Ter)

Gene: SLC12A3 (solute carrier family 12 member 3; plus strand). Cytogenetic location: 16q13.
Variant type: single nucleotide variant.
Coding change: c.2811C>A on transcript NM_001126108.2 (MANE Select); coding-DNA position 2811, C replaced by A.
Protein change: p.Cys937Ter; replaces cysteine 937 with a stop codon.
Molecular consequence: nonsense.
Genome position (GRCh38, 1-based): chr16:56,902,463, C>A. VCF-style: chr16-56902463-C-A. GRCh37 (hg19) VCF-style: chr16-56936375-C-A.
Other names: c.2838C>A, p.Cys946Ter (NM_000339.3); c.2835C>A, p.Cys945Ter (NM_001126107.2); c.2808C>A, p.Cys936Ter (NM_001410896.1); short protein forms C937*, C945*, C936*, C946*.
Identifiers: ClinVar variation 2764211 (VCV002764211.3), dbSNP rs2543557896, ClinGen allele CA396001407.